The following is an entry in ClinVar:

ClinVar aggregate classification (germline): Uncertain significance. Review status: criteria provided, multiple submitters, no conflicts (2 of 4 stars). 2 submissions from 2 submitters: Uncertain significance (2). Last evaluated 2025-03-04.

Conditions:
PPARG-related disorder. Also called: PPARG-related condition; PPARG-related disorders.
Inborn genetic diseases. Identifiers: MedGen C0950123, MeSH D030342.

Submissions (2):

Ambry Genetics
Classification: Uncertain significance for Inborn genetic diseases. Last evaluated: 2025-03-04. Review status: criteria provided, single submitter. Criteria: Ambry Variant Classification Scheme 2023. Collection method: clinical testing. Allele origin: germline.

PreventionGenetics, part of Exact Sciences
Classification: Uncertain significance for PPARG-related condition. Last evaluated: 2024-12-30. Review status: criteria provided, single submitter. Criteria: ACMG Guidelines, 2015. Collection method: clinical testing. Allele origin: germline.
Comment: The PPARG c.427G>A variant is predicted to result in the amino acid substitution p.Gly143Arg. To our knowledge, this variant has not been reported in the literature or in a large population database (gnomAD), indicating this variant is rare. At this time, the clinical significance of this variant is uncertain due to the absence of conclusive functional and genetic evidence.

NM_138711.6(PPARG):c.337G>A (p.Gly113Arg)

Gene: PPARG (peroxisome proliferator activated receptor gamma; plus strand). Cytogenetic location: 3p25.2.
Variant type: single nucleotide variant.
Coding change: c.337G>A on transcript NM_138711.6 (MANE Select); coding-DNA position 337, G replaced by A.
Protein change: p.Gly113Arg; replaces glycine 113 with arginine.
Molecular consequence: missense variant. On other transcripts: 5 prime UTR variant (1).
Genome position (GRCh38, 1-based): chr3:12,381,438, G>A. VCF-style: chr3-12381438-G-A. GRCh37 (hg19) VCF-style: chr3-12422937-G-A.
Other names: c.427G>A, p.Gly143Arg (NM_001374265.1, NM_015869.5, NM_001354668.2); c.343G>A, p.Gly115Arg (NM_001374266.1, NM_001354670.2); c.337G>A, p.Gly113Arg (NM_005037.7, NM_138712.5, NM_001330615.4 and 6 more transcripts); c.-91G>A (NM_001354669.2); short protein forms G113R, G115R, G143R.
Identifiers: ClinVar variation 3782130 (VCV003782130.2).